The following is an entry in ClinVar:

ClinVar aggregate classification (germline): Uncertain significance (1 of 4 stars; one submission).

Submission:

Labcorp Genetics (formerly Invitae), Labcorp
Classification: Uncertain significance. Last evaluated: 2023-11-27. Review status: criteria provided, single submitter. Criteria: Invitae Variant Classification Sherloc (09022015). Collection method: clinical testing. Allele origin: germline.
Comment: This sequence change replaces lysine, which is basic and polar, with arginine, which is basic and polar, at codon 18 of the POC1B protein (p.Lys18Arg). This variant is not present in population databases (gnomAD no frequency). This variant has not been reported in the literature in individuals affected with POC1B-related conditions. ClinVar contains an entry for this variant (Variation ID: 2127931). Advanced modeling of protein sequence and biophysical properties (such as structural, functional, and spatial information, amino acid conservation, physicochemical variation, residue mobility, and thermodynamic stability) performed at Invitae indicates that this missense variant is not expected to disrupt POC1B protein function with a negative predictive value of 80%. In summary, the available evidence is currently insufficient to determine the role of this variant in disease. Therefore, it has been classified as a Variant of Uncertain Significance.

NM_172240.3(POC1B):c.53A>G (p.Lys18Arg)

Genes: POC1B (POC1 centriolar protein B; minus strand), POC1B-DUSP6 (POC1B-DUSP6 readthrough; minus strand), POC1B-GALNT4 (POC1B-GALNT4 readthrough; minus strand), LOC130008356 (ATAC-STARR-seq lymphoblastoid silent region 4693; plus strand). Cytogenetic location: 12q21.33.
Variant type: single nucleotide variant.
Coding change: c.53A>G on transcript NM_172240.3 (MANE Select); coding-DNA position 53, A replaced by G.
Protein change: p.Lys18Arg; replaces lysine 18 with arginine.
Molecular consequence: missense variant. On other transcripts: 5 prime UTR variant (1), non-coding transcript variant (2).
Genome position (GRCh38, 1-based): chr12:89,525,167, T>C on the plus strand (A>G on the coding strand, the complement: POC1B is on the minus strand). VCF-style: chr12-89525167-T-C. GRCh37 (hg19) VCF-style: chr12-89918944-T-C.
Other names: c.53A>G, p.Lys18Arg (NM_001199781.2); c.313A>G, p.Lys105Glu (NM_001199782.1); c.-74A>G (NM_001199777.2); short protein forms K18R, K105E.
Identifiers: ClinVar variation 2127931 (VCV002127931.4), dbSNP rs750926271, ClinGen allele CA386008176.